The following is an entry in ClinVar:

NM_002334.4(LRP4):c.3966C>A (p.His1322Gln)

Gene: LRP4 (LDL receptor related protein 4; minus strand). Cytogenetic location: 11p11.2.
Variant type: single nucleotide variant.
Coding change: c.3966C>A on transcript NM_002334.4 (MANE Select); coding-DNA position 3966, C replaced by A.
Protein change: p.His1322Gln; replaces histidine 1322 with glutamine.
Molecular consequence: missense variant.
Genome position (GRCh38, 1-based): chr11:46,875,063, G>T on the plus strand (C>A on the coding strand, the complement: LRP4 is on the minus strand). VCF-style: chr11-46875063-G-T. GRCh37 (hg19) VCF-style: chr11-46896614-G-T.
Other names: short protein forms H1322Q.
Identifiers: ClinVar variation 3067649 (VCV003067649.21), dbSNP rs753070046, ClinGen allele CA380271438.

ClinVar aggregate classification (germline): Uncertain significance (1 of 4 stars; one submission).

Submission:

CeGaT Center for Human Genetics Tuebingen
Classification: Uncertain significance. Last evaluated: 2024-03-01. Review status: criteria provided, single submitter. Criteria: CeGaT Center For Human Genetics Tuebingen Variant Classification Criteria Version 2. Collection method: clinical testing. Allele origin: germline. Affected: yes. Observed: 1 variant allele.
Comment: LRP4: PM2